The following is an entry in ClinVar:

NM_032043.3(BRIP1):c.1208G>A (p.Arg403Gln)

Gene: BRIP1 (BRCA1 interacting DNA helicase 1; minus strand). Cytogenetic location: 17q23.2.
Variant type: single nucleotide variant.
Coding change: c.1208G>A on transcript NM_032043.3 (MANE Select); coding-DNA position 1208, G replaced by A.
Protein change: p.Arg403Gln; replaces arginine 403 with glutamine.
Molecular consequence: missense variant.
Genome position (GRCh38, 1-based): chr17:61,799,232, C>T on the plus strand (G>A on the coding strand, the complement: BRIP1 is on the minus strand). VCF-style: chr17-61799232-C-T. GRCh37 (hg19) VCF-style: chr17-59876593-C-T.
Other names: p.Arg403Gln; short protein forms R403Q.
Identifiers: ClinVar variation 186213 (VCV000186213.34), dbSNP rs786202780, ClinGen allele CA194169.

ClinVar aggregate classification (germline): Uncertain significance. Review status: criteria provided, multiple submitters, no conflicts (2 of 4 stars). 8 submissions from 8 submitters: Uncertain significance (7). 1 of the submissions does not count toward it. Last evaluated 2026-02-20.

Conditions:
Hereditary cancer-predisposing syndrome. Also called: Hereditary Cancer Syndrome; Neoplastic Syndromes, Hereditary; Tumor predisposition; Hereditary neoplastic syndrome. Identifiers: Orphanet 140162, MedGen C0027672, MeSH D009386, MONDO:0015356.
Familial cancer of breast. Also called: BREAST CANCER, FAMILIAL; Hereditary breast cancer; hereditary breast carcinoma. Identifiers: Orphanet 227535, MedGen C0346153, MONDO:0016419, OMIM 114480. Disease mechanism: loss of function.
Fanconi anemia complementation group J. Also called: BRIP1-Related Fanconi Anemia. Identifiers: Orphanet 84, MedGen C1836860, MONDO:0012187, OMIM 609054.
BRIP1-related disorder. Also called: BRIP1-related condition; BRIP1-related disorders. Identifiers: MedGen CN239206.

Allele frequency attached by ClinVar (database versions not stated): gnomAD 0.00001; TOPMed 0.00001; gnomAD exomes 0.00002.
gnomAD v4.1: 10 of 1,613,450 alleles (0.00062%); highest among the groups gnomAD compares: Admixed American, 0.005%; no homozygotes.

Submissions (8):

St. Jude Molecular Pathology, St. Jude Children's Research Hospital
Classification: Uncertain significance for Familial cancer of breast. Last evaluated: 2026-02-20. Review status: criteria provided, single submitter. Criteria: St. Jude Assertion Criteria 2020. Collection method: clinical testing. Allele origin: germline.
Comment: the BRIP1 gene are associated with hereditary breast and ovarian cancer syndrome (OMIM ID: 605882), however they are thought to primarily increase susceptibility to ovarian cancer. Pathogenic variants affecting b oth copies of the BRIP1 gene are associated with Fanconi anemia, a rare disorder that is characterized by developmental abnormalities, bone marrow failure, and predisposition to cancer (OMIM ID: 609054). The BRIP1 c.1208G>A p.(Arg403Gln) missense change has a maximum subpopulation frequency of 0.008% in gnomAD v2.1.1. The in silico tool REVEL is inconclusive about a pathogenic or benign effect of this variant on protein function, and to our knowledge functional studi es have not been performed. To our knowledge, this variant has not been reported in individuals with BRIP1-associated conditions. In summary, the evidence currently available is insufficient to determine the clinical significance of this variant. It has therefore been classified as of uncertain significance.

Labcorp Genetics (formerly Invitae), Labcorp
Classification: Uncertain significance for Familial cancer of breast; Fanconi anemia complementation group J. Last evaluated: 2025-11-02. Review status: criteria provided, single submitter. Criteria: Invitae Variant Classification Sherloc (09022015). Collection method: clinical testing. Allele origin: germline.
Comment: This sequence change replaces arginine, which is basic and polar, with glutamine, which is neutral and polar, at codon 403 of the BRIP1 protein (p.Arg403Gln). This variant is present in population databases (rs786202780, gnomAD 0.008%). This missense change has been observed in individual(s) with breast cancer (PMID: 26580448). ClinVar contains an entry for this variant (Variation ID: 186213). Invitae Evidence Modeling of protein sequence and biophysical properties (such as structural, functional, and spatial information, amino acid conservation, physicochemical variation, residue mobility, and thermodynamic stability) indicates that this missense variant is not expected to disrupt BRIP1 protein function with a negative predictive value of 95%. In summary, the available evidence is currently insufficient to determine the role of this variant in disease. Therefore, it has been classified as a Variant of Uncertain Significance.

Ambry Genetics
Classification: Uncertain significance for Hereditary cancer-predisposing syndrome. Last evaluated: 2025-07-15. Review status: criteria provided, single submitter. Criteria: Ambry Variant Classification Scheme 2023. Collection method: clinical testing. Allele origin: germline.
Comment: The p.R403Q variant (also known as c.1208G>A), located in coding exon 8 of the BRIP1 gene, results from a G to A substitution at nucleotide position 1208. The arginine at codon 403 is replaced by glutamine, an amino acid with highly similar properties. This variant has been reported in 1/1120 pediatric cancer patients who underwent whole genome sequencing and/or whole exome sequencing; this patient was diagnosed with acute lymphocytic leukemia (Zhang J et al. N Engl J Med, 2015 Dec;373:2336-2346). This amino acid position is highly conserved in available vertebrate species. In addition, the in silico prediction for this alteration is inconclusive. Based on the available evidence, the clinical significance of this variant remains unclear.

Mayo Clinic Laboratories, Mayo Clinic
Classification: Uncertain significance. Last evaluated: 2025-01-22. Review status: criteria provided, single submitter. Criteria: ACMG Guidelines, 2015. Collection method: clinical testing. Allele origin: germline. Observed: 1 variant allele.

GeneDx
Classification: Uncertain significance. Last evaluated: 2024-05-14. Review status: criteria provided, single submitter. Criteria: GeneDx Variant Classification Process June 2021. Collection method: clinical testing. Allele origin: germline. Affected: yes.
Comment: Not observed at significant frequency in large population cohorts (gnomAD); In silico analysis supports that this missense variant has a deleterious effect on protein structure/function; This variant is associated with the following publications: (PMID: 29338689, 37306523, 36922933, 26580448, 25186627)

Quest Diagnostics Nichols Institute San Juan Capistrano
Classification: Uncertain significance. Last evaluated: 2023-10-16. Review status: criteria provided, single submitter. Criteria: Quest Diagnostics criteria. Collection method: clinical testing. Allele origin: unknown.

Color Diagnostics, LLC DBA Color Health
Classification: Uncertain significance for Hereditary cancer-predisposing syndrome. Last evaluated: 2023-04-03. Review status: criteria provided, single submitter. Criteria: ACMG Guidelines, 2015. Collection method: clinical testing. Allele origin: germline.
Comment: This missense variant replaces arginine with glutamine at codon 403 of the BRIP1 protein. Computational prediction is inconclusive regarding the impact of this variant on protein structure and function (internally defined REVEL score threshold 0.5 < inconclusive < 0.7, PMID: 27666373). To our knowledge, functional studies have not been reported for this variant. This variant has not been reported in individuals affected with BRIP1-related disorders in the literature. This variant has been identified in 5/282362 chromosomes in the general population by the Genome Aggregation Database (gnomAD). The available evidence is insufficient to determine the role of this variant in disease conclusively. Therefore, this variant is classified as a Variant of Uncertain Significance.

PreventionGenetics, part of Exact Sciences
Classification: Uncertain significance for BRIP1-related condition. Last evaluated: 2023-10-26. Review status: no assertion criteria provided. Collection method: clinical testing. Allele origin: germline. Not counted in ClinVar's aggregate classification.
Comment: The BRIP1 c.1208G>A variant is predicted to result in the amino acid substitution p.Arg403Gln. This variant has been reported in two individuals, one with early-onset breast cancer (Tung et al. 2015. PubMed ID: 25186627) and another with acute lymphoblastic leukemia (ALL) (Zhang et al. 2015. PubMed ID: 26580448). This variant is reported in 0.0080% of alleles in individuals of African descent in gnomAD and is interpreted as uncertain in ClinVar. At this time, the clinical significance of this variant is uncertain due to the absence of conclusive functional and genetic evidence.

Literature cited by the submitters: PubMed 26580448 (cited by 4 submitters); PubMed 25186627 (cited by 3 submitters); PubMed 39981113 (cited by Ambry Genetics); PubMed 37306523 (cited by Mayo Clinic Laboratories, Mayo Clinic).